The following is an entry in ClinVar:

NM_006662.3(SRCAP):c.6128G>T (p.Gly2043Val)

Gene: SRCAP (Snf2 related CREBBP activator protein; plus strand). Cytogenetic location: 16p11.2.
Variant type: single nucleotide variant.
Coding change: c.6128G>T on transcript NM_006662.3 (MANE Select); coding-DNA position 6128, G replaced by T.
Protein change: p.Gly2043Val; replaces glycine 2043 with valine.
Molecular consequence: missense variant.
Genome position (GRCh38, 1-based): chr16:30,733,280, G>T. VCF-style: chr16-30733280-G-T. GRCh37 (hg19) VCF-style: chr16-30744601-G-T.
Other names: short protein forms G2043V.
Identifiers: ClinVar variation 3907951 (VCV003907951.2).

ClinVar aggregate classification (germline): Uncertain significance. Review status: criteria provided, multiple submitters, no conflicts (2 of 4 stars). 2 submissions from 2 submitters: Uncertain significance (2). Last evaluated 2025-09-02.

Conditions:
Inborn genetic diseases. Identifiers: MedGen C0950123, MeSH D030342.

Submissions (2):

Ambry Genetics
Classification: Uncertain significance for Inborn genetic diseases. Last evaluated: 2025-09-02. Review status: criteria provided, single submitter. Criteria: Ambry Variant Classification Scheme 2023. Collection method: clinical testing. Allele origin: germline.
Comment: The c.6128G>T (p.G2043V) alteration is located in exon 28 (coding exon 26) of the SRCAP gene. This alteration results from a G to T substitution at nucleotide position 6128, causing the glycine (G) at amino acid position 2043 to be replaced by a valine (V). This variant was not reported in population-based cohorts in the Genome Aggregation Database (gnomAD). This amino acid position is highly conserved in available vertebrate species. RNA studies have demonstrated that this alteration does not result in abnormal splicing in the set of samples tested (Ambry internal data). This alteration is predicted to be deleterious by in silico analysis. Based on insufficient or conflicting evidence, the clinical significance of this alteration remains unclear.

GeneDx
Classification: Uncertain significance. Last evaluated: 2024-12-30. Review status: criteria provided, single submitter. Criteria: GeneDx Variant Classification Process June 2021. Collection method: clinical testing. Allele origin: germline. Affected: yes.
Comment: Not observed at significant frequency in large population cohorts (gnomAD); In silico analysis supports that this missense variant has a deleterious effect on protein structure/function; In silico analysis suggests this variant may impact gene splicing. In the absence of RNA/functional studies, the actual effect of this sequence change is unknown.; Has not been previously published as pathogenic or benign to our knowledge